The following is an entry in ClinVar:

ClinVar aggregate classification (germline): Likely pathogenic (1 of 4 stars; one submission).

Conditions:
Alstrom syndrome (ALMS). Identifiers: Orphanet 64, MedGen C0268425, MONDO:0008763, OMIM 203800.

Submission:

Natera, Inc.
Classification: Likely pathogenic for Alstrom syndrome. Last evaluated: 2024-06-10. Review status: criteria provided, single submitter. Criteria: Natera Variant Classification Schema (03/2026). Collection method: clinical testing. Allele origin: germline.
Comment: The c.8055del variant in ALMS1 is a frameshift variant predicted to shift the reading frame beginning at codon 2686 and leads to a stop codon 24 codons downstream. This variant is expected to result in nonsense mediated decay, truncation, or a dysfunctional protein product. This variant is rare in the general population with a frequency below the threshold expected for the associated phenotype(s). Given the available evidence, this variant is classified as Likely Pathogenic.

NM_001378454.1(ALMS1):c.8052del (p.Glu2685fs)

Gene: ALMS1 (ALMS1 centrosome and basal body associated protein; plus strand). Cytogenetic location: 2p13.1.
Variant type: Deletion.
Coding change: c.8052del on transcript NM_001378454.1 (MANE Select); coding-DNA position 8052, one base deleted (A; older notation c.8052delA).
Protein change: p.Glu2685fs; shifts the reading frame from glutamic acid 2685.
Molecular consequence: frameshift variant.
Genome position (GRCh38, 1-based): chr2:73,490,011, A deleted. VCF-style (leftmost placement, unchanged base first): chr2-73490010-TA-T. GRCh37 (hg19) VCF-style: chr2-73717137-TA-T.
Other names: c.8055del, p.Glu2686fs (NM_015120.4); short protein forms E2685fs, E2686fs.
Identifiers: ClinVar variation 4815803 (VCV004815803.1).